The following is an entry in ClinVar:

ClinVar aggregate classification (germline): Benign. Review status: criteria provided, multiple submitters, no conflicts (2 of 4 stars). 2 submissions from 2 submitters: Benign (2). Last evaluated 2018-06-14.

Allele frequency attached by ClinVar (database versions not stated): 1000 Genomes Project 30x 0.21252; 1000 Genomes Project 0.21605; gnomAD 0.24537 and 0.24900; TOPMed 0.24676; gnomAD exomes 0.24806.
gnomAD v4.1: 266,132 of 1,075,816 alleles (25%); highest among the groups gnomAD compares: East Asian, 27%; 33,296 homozygotes.

Submissions (2):

GeneDx
Classification: Benign. Last evaluated: 2018-06-14. Review status: criteria provided, single submitter. Criteria: GeneDx Variant Classification (06012015). Collection method: clinical testing. Allele origin: germline. Affected: yes.
Comment: This variant is considered likely benign or benign based on one or more of the following criteria: it is a conservative change, it occurs at a poorly conserved position in the protein, it is predicted to be benign by multiple in silico algorithms, and/or has population frequency not consistent with disease.

Breakthrough Genomics
Classification: Benign. Review status: criteria provided, single submitter. Criteria: ACMG Guidelines, 2015. Collection method: not provided. Allele origin: germline. Inheritance: Autosomal dominant inheritance. Affected: yes.

NM_001098511.3(KIF2A):c.872+61G>C

Gene: KIF2A (kinesin family member 2A; plus strand). Cytogenetic location: 5q12.1.
Variant type: single nucleotide variant.
Coding change: c.872+61G>C on transcript NM_001098511.3 (MANE Select); 61 bases into the intron after coding-DNA position 872, G replaced by C.
Molecular consequence: intron variant.
Genome position (GRCh38, 1-based): chr5:62,358,360, G>C. VCF-style: chr5-62358360-G-C. GRCh37 (hg19) VCF-style: chr5-61654187-G-C.
Other names: c.791+61G>C (NM_001243952.2); c.872+61G>C (NM_004520.5); c.815+61G>C (NM_001243953.2).
Identifiers: ClinVar variation 682874 (VCV000682874.2), dbSNP rs35009, ClinGen allele CA15376590.